The following is an entry in ClinVar:

ClinVar aggregate classification (germline): Uncertain significance (1 of 4 stars; one submission).

Allele frequency attached by ClinVar (database versions not stated): gnomAD exomes below 0.00001.
gnomAD v4.1: 2 of 1,614,150 alleles (0.00012%); highest among the groups gnomAD compares: Non-Finnish European, 0.000085%; no homozygotes.

Submission:

Labcorp Genetics (formerly Invitae), Labcorp
Classification: Uncertain significance. Last evaluated: 2022-09-20. Review status: criteria provided, single submitter. Criteria: Invitae Variant Classification Sherloc (09022015). Collection method: clinical testing. Allele origin: germline.
Comment: This variant is not present in population databases (gnomAD no frequency). This sequence change replaces proline, which is neutral and non-polar, with leucine, which is neutral and non-polar, at codon 16 of the MS4A1 protein (p.Pro16Leu). This variant has not been reported in the literature in individuals affected with MS4A1-related conditions. Algorithms developed to predict the effect of missense changes on protein structure and function are either unavailable or do not agree on the potential impact of this missense change (SIFT: "Deleterious"; PolyPhen-2: "Benign"; Align-GVGD: "Class C0"). In summary, the available evidence is currently insufficient to determine the role of this variant in disease. Therefore, it has been classified as a Variant of Uncertain Significance.

NM_152866.3(MS4A1):c.47C>T (p.Pro16Leu)

Gene: MS4A1 (membrane spanning 4-domains A1; plus strand). Cytogenetic location: 11q12.2.
Variant type: single nucleotide variant.
Coding change: c.47C>T on transcript NM_152866.3 (MANE Select); coding-DNA position 47, C replaced by T.
Protein change: p.Pro16Leu; replaces proline 16 with leucine.
Molecular consequence: missense variant.
Genome position (GRCh38, 1-based): chr11:60,462,421, C>T. VCF-style: chr11-60462421-C-T. GRCh37 (hg19) VCF-style: chr11-60229894-C-T.
Other names: c.47C>T, p.Pro16Leu (NM_021950.4, NM_152867.2); short protein forms P16L.
Identifiers: ClinVar variation 1908824 (VCV001908824.5), dbSNP rs768892705, ClinGen allele CA222761232.